The following is an entry in ClinVar:

NM_001164508.2(NEB):c.18081_18089del (p.Tyr6027_Gln6030delinsTer)

Gene: NEB (nebulin; minus strand). Cytogenetic location: 2q23.3.
Variant type: Deletion.
Coding change: c.18081_18089del on transcript NM_001164508.2 (MANE Select); coding-DNA positions 18081 to 18089, 9 bases deleted (CTTGCACCA; older notation c.18081_18089delCTTGCACCA).
Protein change: p.Tyr6027_Gln6030delinsTer.
Molecular consequence: nonsense.
Genome position (GRCh38, 1-based): chr2:151,567,235-151,567,243, TGGTGCAAG deleted on the plus strand (CTTGCACCA on the coding strand, the reverse complement: NEB is on the minus strand); deleting any 9 consecutive bases within chr2:151,567,235-151,567,244 gives the same sequence; the c. name uses the placement nearest the transcript's 3' end. VCF-style (leftmost placement, unchanged base first): chr2-151567234-TTGGTGCAAG-T. GRCh37 (hg19) VCF-style: chr2-152423748-TTGGTGCAAG-T.
Other names: c.12978_12986del, p.Tyr4326_Gln4329delinsTer (NM_004543.5); c.18081_18089del, p.Tyr6027_Gln6030delinsTer (NM_001164507.2, NM_001271208.2).
Identifiers: ClinVar variation 2112760 (VCV002112760.4), dbSNP rs2552193713, ClinGen allele CA2580064018.

ClinVar aggregate classification (germline): Pathogenic (1 of 4 stars; one submission).

Conditions:
Nemaline myopathy 2 (NEM2). Also called: Nemaline myopathy 2, autosomal recessive. Identifiers: MedGen C1850569, MONDO:0009725, OMIM 256030.

Submission:

Labcorp Genetics (formerly Invitae), Labcorp
Classification: Pathogenic for Nemaline myopathy 2. Last evaluated: 2022-03-15. Review status: criteria provided, single submitter. Criteria: Invitae Variant Classification Sherloc (09022015). Collection method: clinical testing. Allele origin: germline.
Comment: For these reasons, this variant has been classified as Pathogenic. This variant has not been reported in the literature in individuals affected with NEB-related conditions. This variant is not present in population databases (gnomAD no frequency). This sequence change creates a premature translational stop signal (p.Tyr6027*) in the NEB gene. It is expected to result in an absent or disrupted protein product. Loss-of-function variants in NEB are known to be pathogenic (PMID: 25205138).

Literature cited by the submitters: PubMed 25205138.